The following is an entry in ClinVar:

NM_005859.5(PURA):c.116G>T (p.Gly39Val)

Gene: PURA (purine rich element binding protein A; plus strand). Cytogenetic location: 5q31.3.
Variant type: single nucleotide variant.
Coding change: c.116G>T on transcript NM_005859.5 (MANE Select); coding-DNA position 116, G replaced by T.
Protein change: p.Gly39Val; replaces glycine 39 with valine.
Molecular consequence: missense variant.
Genome position (GRCh38, 1-based): chr5:140,114,297, G>T. VCF-style: chr5-140114297-G-T. GRCh37 (hg19) VCF-style: chr5-139493882-G-T.
Other names: short protein forms G39V.
Identifiers: ClinVar variation 4528266 (VCV004528266.1).

ClinVar aggregate classification (germline): Uncertain significance (1 of 4 stars; one submission).

Submission:

GeneDx
Classification: Uncertain significance. Last evaluated: 2025-05-02. Review status: criteria provided, single submitter. Criteria: GeneDx Variant Classification Process June 2021. Collection method: clinical testing. Allele origin: germline. Affected: yes.
Comment: Not observed at significant frequency in large population cohorts (gnomAD); In silico analysis suggests that this missense variant does not alter protein structure/function; Has not been previously published as pathogenic or benign to our knowledge